The following is an entry in ClinVar:

NM_004380.3(CREBBP):c.5042T>C (p.Leu1681Ser)

Gene: CREBBP (CREB binding lysine acetyltransferase; minus strand). Cytogenetic location: 16p13.3.
Variant type: single nucleotide variant.
Coding change: c.5042T>C on transcript NM_004380.3 (MANE Select); coding-DNA position 5042, T replaced by C.
Protein change: p.Leu1681Ser; replaces leucine 1681 with serine.
Molecular consequence: missense variant.
Genome position (GRCh38, 1-based): chr16:3,731,322, A>G on the plus strand (T>C on the coding strand, the complement: CREBBP is on the minus strand). VCF-style: chr16-3731322-A-G. GRCh37 (hg19) VCF-style: chr16-3781323-A-G.
Other names: c.5042T>C (NM_004380.2); c.4928T>C, p.Leu1643Ser (NM_001079846.1); short protein forms L1643S, L1681S.
Identifiers: ClinVar variation 3653803 (VCV003653803.3).
Genomic context (GRCh38, chr16:3,731,322, plus strand): 5'-TCCTGGCCCTGGGTGTGCAGCTCCACCAGCATGCAGAGCGTGGACCACTTGGAGCGGCGC[A>G]AGGAGGAGAACTCCCAGTGCTTGTCTCTGGCGAGGGTGAGGAAGGCGTCGCGCCCATCCA-3'
Protein context (NP_004371.2, residues 1671-1691): ARDKHWEFSS[Leu1681Ser]RRSKWSTLCM

ClinVar aggregate classification (germline): Conflicting classifications of pathogenicity. Review status: criteria provided, conflicting classifications (1 of 4 stars). 2 submissions from 2 submitters: Likely pathogenic (1); Uncertain significance (1). Last evaluated 2025-10-06.

Conditions:
Rubinstein-Taybi syndrome (RSTS). Identifiers: Orphanet 783, MedGen C0035934, MONDO:0019188.
Inborn genetic diseases. Identifiers: MedGen C0950123, MeSH D030342.

Submissions (2):

Ambry Genetics
Classification: Likely pathogenic for Inborn genetic diseases. Last evaluated: 2025-10-06. Review status: criteria provided, single submitter. Criteria: Ambry Variant Classification Scheme 2023. Collection method: clinical testing. Allele origin: germline.
Comment: The c.5042T>C (p.L1681S) alteration is located in exon 30 (coding exon 30) of the CREBBP gene. This alteration results from a T to C substitution at nucleotide position 5042, causing the leucine (L) at amino acid position 1681 to be replaced by a serine (S). for Menke-Hennekam syndrome; however, its clinical significance for Rubinstein-Taybi syndrome is uncertain. This variant was not reported in population-based cohorts in the Genome Aggregation Database (gnomAD). This variant was determined to be de novo in at least one individual with features consistent with Menke-Hennekam syndrome (Gorukmez, 2023). This amino acid position is highly conserved in available vertebrate species. This alteration is predicted to be deleterious by in silico analysis. Based on the available evidence, this alteration is classified as likely pathogenic.

Labcorp Genetics (formerly Invitae), Labcorp
Classification: Uncertain significance for Rubinstein-Taybi syndrome. Last evaluated: 2024-05-23. Review status: criteria provided, single submitter. Criteria: Invitae Variant Classification Sherloc (09022015). Collection method: clinical testing. Allele origin: germline.
Comment: This sequence change replaces leucine, which is neutral and non-polar, with serine, which is neutral and polar, at codon 1681 of the CREBBP protein (p.Leu1681Ser). This variant is not present in population databases (gnomAD no frequency). This variant has not been reported in the literature in individuals affected with CREBBP-related conditions. Advanced modeling of protein sequence and biophysical properties (such as structural, functional, and spatial information, amino acid conservation, physicochemical variation, residue mobility, and thermodynamic stability) performed at Invitae indicates that this missense variant is expected to disrupt CREBBP protein function with a positive predictive value of 95%. In summary, the available evidence is currently insufficient to determine the role of this variant in disease. Therefore, it has been classified as a Variant of Uncertain Significance.

Literature cited by the submitters: PubMed 36964972 (cited by Ambry Genetics).